The following is an entry in ClinVar:

NM_000443.4(ABCB4):c.3090T>C (p.Phe1030=)

Gene: ABCB4 (ATP binding cassette subfamily B member 4; minus strand). Cytogenetic location: 7q21.12.
Variant type: single nucleotide variant.
Coding change: c.3090T>C on transcript NM_000443.4 (MANE Select); coding-DNA position 3090, T replaced by C.
Protein change: p.Phe1030=; no amino-acid change (phenylalanine 1030 retained).
Molecular consequence: synonymous variant.
Genome position (GRCh38, 1-based): chr7:87,408,226, A>G on the plus strand (T>C on the coding strand, the complement: ABCB4 is on the minus strand). VCF-style: chr7-87408226-A-G. GRCh37 (hg19) VCF-style: chr7-87037542-A-G.
Other names: c.3090T>C (NM_000443.3); c.3090T>C, p.Phe1030= (NM_018849.3); c.2949T>C, p.Phe983= (NM_018850.3).
Identifiers: ClinVar variation 2857782 (VCV002857782.6), dbSNP rs142980157, ClinGen allele CA4326857.
Genomic context (GRCh38, chr7:87,408,226, plus strand): 5'-TGGCACGTTTGCTCGGGTGGGATAGTTGAACACGACTTCATTAAATGTTATATTTCCTTC[A>G]AATTTATCCTGAATAAATGTTTAAATGTTGCTATTATAATTGGCCTGATAATTATTGGAA-3'
Protein context (NP_000434.1, residues 1020-1040): YSEEGLKPDK[Phe1030=]EGNITFNEVV

ClinVar aggregate classification (germline): Likely benign. Review status: criteria provided, multiple submitters, no conflicts (2 of 4 stars). 3 submissions from 3 submitters: Likely benign (2). 1 of the submissions does not count toward it. Last evaluated 2024-02-04.

Conditions:
ABCB4-related disorder. Also called: ABCB4-related disorders; ABCB4-related condition.

Allele frequency attached by ClinVar (database versions not stated): ExAC 0.00009; gnomAD 0.00022; ESP Exome Variant Server 0.00023; TOPMed 0.00032; 1000 Genomes Project 0.00040; 1000 Genomes Project 30x 0.00062.
gnomAD v4.1: 73 of 1,613,908 alleles (0.0045%); highest among the groups gnomAD compares: African/African-American, 0.083%; no homozygotes.

Submissions (3):

Labcorp Genetics (formerly Invitae), Labcorp
Classification: Likely benign. Last evaluated: 2024-02-04. Review status: criteria provided, single submitter. Criteria: Invitae Variant Classification Sherloc (09022015). Collection method: clinical testing. Allele origin: germline.

Blueprint Genetics
Classification: Likely benign. Last evaluated: 2019-07-18. Review status: criteria provided, single submitter. Criteria: ACMG Guidelines, 2015. Collection method: clinical testing. Allele origin: germline.

PreventionGenetics, part of Exact Sciences
Classification: Likely benign for ABCB4-related condition. Last evaluated: 2021-04-22. Review status: no assertion criteria provided. Collection method: clinical testing. Allele origin: germline. Not counted in ClinVar's aggregate classification.
Comment: This variant is classified as likely benign based on ACMG/AMP sequence variant interpretation guidelines (Richards et al. 2015 PMID: 25741868, with internal and published modifications).